The following is an entry in ClinVar:

ClinVar aggregate classification (germline): Conflicting classifications of pathogenicity. Review status: criteria provided, conflicting classifications (1 of 4 stars). 6 submissions from 6 submitters: Uncertain significance (1); Benign (1); Likely benign (4). Last evaluated 2025-12-21.

Conditions:
Early-infantile DEE. Also called: Ohtahara syndrome; Early infantile epileptic encephalopathy; Early infantile epileptic encephalopathy with suppression bursts. Identifiers: Orphanet 1934, MedGen C0393706, MONDO:0800491.
Inborn genetic diseases. Identifiers: MedGen C0950123, MeSH D030342.

Allele frequency attached by ClinVar (database versions not stated): gnomAD exomes 0.00004 and 0.00011; ExAC 0.00011; 1000 Genomes Project 30x 0.00016; 1000 Genomes Project 0.00020; gnomAD 0.00036 and 0.00038; TOPMed 0.00040; ESP Exome Variant Server 0.00046.

Submissions (16):

Labcorp Genetics (formerly Invitae), Labcorp
Classification: Likely benign for Early-infantile DEE. Last evaluated: 2025-12-21. Review status: criteria provided, single submitter. Criteria: Invitae Variant Classification Sherloc (09022015). Collection method: clinical testing. Allele origin: germline.

Blueprint Genetics
Classification: Likely benign. Last evaluated: 2024-08-06. Review status: criteria provided, single submitter. Criteria: ACMG Guidelines, 2015. Collection method: clinical testing. Allele origin: germline.

Women's Health and Genetics/Laboratory Corporation of America, LabCorp
Classification: Likely benign. Last evaluated: 2022-11-14. Review status: criteria provided, single submitter. Criteria: LabCorp Variant Classification Summary - May 2015. Collection method: clinical testing. Allele origin: germline.
Comment: Variant summary: SCN1A c.5568G>A (p.Met1856Ile) results in a conservative amino acid change in the encoded protein sequence. Two of three in-silico tools predict a damaging effect of the variant on protein function. The variant allele was found at a frequency of 0.00011 in 250732 control chromosomes, predominantly at a frequency of 0.0014 within the African or African-American subpopulation in the gnomAD database. The observed variant frequency within African or African-American control individuals in the gnomAD database is approximately 78 fold of the estimated maximal expected allele frequency for a pathogenic variant in SCN1A causing SCN1A-Related Seizure Disorder phenotype (1.8e-05), strongly suggesting that the variant is a benign polymorphism found primarily in populations of African or African-American origin. To our knowledge, no occurrence of c.5568G>A in individuals affected with SCN1A-Related Seizure Disorder and no experimental evidence demonstrating its impact on protein function have been reported. Four clinical diagnostic laboratories have submitted clinical-significance assessments for this variant to ClinVar after 2014 and classifed the variant as VUS (n=1) and benign/likely benign (n=3). Based on the evidence outlined above, the variant was classified as likely benign.

GeneDx
Classification: Benign. Last evaluated: 2020-12-07. Review status: criteria provided, single submitter. Criteria: GeneDx Variant Classification Process June 2021. Collection method: clinical testing. Allele origin: germline. Affected: yes.

Ambry Genetics
Classification: Likely benign for Inborn genetic diseases. Last evaluated: 2018-09-10. Review status: criteria provided, single submitter. Criteria: Ambry Variant Classification Scheme 2023. Collection method: clinical testing. Allele origin: germline.

Eurofins Ntd Llc (ga)
Classification: Uncertain significance. Last evaluated: 2016-12-28. Review status: criteria provided, single submitter. Criteria: EGL Classification Definitions 2015. Collection method: clinical testing. Allele origin: germline. Observed: 2 variant alleles, 2 heterozygotes.

Channelopathy-Associated Epilepsy Research Center
No classification provided (evidence only). Review status: no classification provided. Collection method: in vitro. Allele origin: not applicable. Functional consequence: Normal peak current. Not counted in ClinVar's aggregate classification.

Channelopathy-Associated Epilepsy Research Center
No classification provided (evidence only). Review status: no classification provided. Collection method: in vitro. Allele origin: not applicable. Functional consequence: Normal voltage dependence of activation. Not counted in ClinVar's aggregate classification.

Channelopathy-Associated Epilepsy Research Center
No classification provided (evidence only). Review status: no classification provided. Collection method: in vitro. Allele origin: not applicable. Functional consequence: Normal slope of activation. Not counted in ClinVar's aggregate classification.

Channelopathy-Associated Epilepsy Research Center
No classification provided (evidence only). Review status: no classification provided. Collection method: in vitro. Allele origin: not applicable. Functional consequence: Normal voltage dependence of fast inactivation. Not counted in ClinVar's aggregate classification.

Channelopathy-Associated Epilepsy Research Center
No classification provided (evidence only). Review status: no classification provided. Collection method: in vitro. Allele origin: not applicable. Functional consequence: Normal slope of fast inactivation. Not counted in ClinVar's aggregate classification.

Channelopathy-Associated Epilepsy Research Center
No classification provided (evidence only). Review status: no classification provided. Collection method: in vitro. Allele origin: not applicable. Functional consequence: Normal rate of recovery from fast inactivation. Not counted in ClinVar's aggregate classification.

Channelopathy-Associated Epilepsy Research Center
No classification provided (evidence only). Review status: no classification provided. Collection method: in vitro. Allele origin: not applicable. Functional consequence: Normal current amplitude in use dependence. Not counted in ClinVar's aggregate classification.

Channelopathy-Associated Epilepsy Research Center
No classification provided (evidence only). Review status: no classification provided. Collection method: in vitro. Allele origin: not applicable. Functional consequence: Normal fast inactivation. Not counted in ClinVar's aggregate classification.

Channelopathy-Associated Epilepsy Research Center
No classification provided (evidence only). Review status: no classification provided. Collection method: in vitro. Allele origin: not applicable. Functional consequence: Normal ramp current. Not counted in ClinVar's aggregate classification.

Channelopathy-Associated Epilepsy Research Center
No classification provided (evidence only). Review status: no classification provided. Collection method: in vitro. Allele origin: not applicable. Functional consequence: Normal persistent current. Not counted in ClinVar's aggregate classification.

NM_001165963.4(SCN1A):c.5568G>A (p.Met1856Ile)

Genes: SCN1A (sodium voltage-gated channel alpha subunit 1; minus strand), LOC102724058 (uncharacterized LOC102724058; plus strand). Cytogenetic location: 2q24.3.
Variant type: single nucleotide variant.
Coding change: c.5568G>A on transcript NM_001165963.4 (MANE Select); coding-DNA position 5568, G replaced by A.
Protein change: p.Met1856Ile; replaces methionine 1856 with isoleucine.
Molecular consequence: missense variant. On other transcripts: non-coding transcript variant (1).
Genome position (GRCh38, 1-based): chr2:165,991,707, C>T on the plus strand (G>A on the coding strand, the complement: SCN1A is on the minus strand). VCF-style: chr2-165991707-C-T. GRCh37 (hg19) VCF-style: chr2-166848217-C-T.
Other names: p.M1856I:ATG>ATA; c.5484G>A, p.Met1828Ile (NM_001165964.3, NM_001353957.2, NM_001353958.2); c.5568G>A, p.Met1856Ile (NM_001202435.3, NM_001353948.2); c.5535G>A, p.Met1845Ile (NM_001353949.2, NM_001353950.2, NM_001353951.2 and 2 more transcripts); c.5532G>A, p.Met1844Ile (NM_001353954.2, NM_001353955.2); c.5481G>A, p.Met1827Ile (NM_001353960.2); c.3126G>A, p.Met1042Ile (NM_001353961.2); short protein forms M1845I, M1856I, M1828I, M1042I, M1827I, M1844I.
Identifiers: ClinVar variation 206871 (VCV000206871.28), dbSNP rs144691638, ClinGen allele CA317629.
Genomic context (GRCh38, chr2:165,991,707, plus strand): 5'-TAGAACCCGCTTTGTAAAAGCAAATAAGATATCAAGACAGTGGATCCGGTCACCACTCAC[C>T]ATGGGCAAATCCATGGCAATGAGCTGGAGTTTGTTTGGTTGTGGCAGATTGAGAGGCGGT-3'
Protein context (NP_001159435.1, residues 1846-1866): KLQLIAMDLP[Met1856Ile]VSGDRIHCLD